The following is an entry in ClinVar:

ClinVar aggregate classification (germline): Likely benign (1 of 4 stars; one submission).

Submission:

CeGaT Center for Human Genetics Tuebingen
Classification: Likely benign. Last evaluated: 2025-11-01. Review status: criteria provided, single submitter. Criteria: CeGaT Center For Human Genetics Tuebingen Variant Classification Criteria Version 2. Collection method: clinical testing. Allele origin: germline. Affected: yes. Observed: 1 variant allele.
Comment: MUC12: BP4, BP7

NM_001164462.2(MUC12):c.11040G>A (p.Ser3680=)

Gene: MUC12 (mucin 12, cell surface associated; plus strand). Cytogenetic location: 7q22.1.
Variant type: single nucleotide variant.
Coding change: c.11040G>A on transcript NM_001164462.2 (MANE Select); coding-DNA position 11040, G replaced by A.
Protein change: p.Ser3680=; no amino-acid change (serine 3680 retained).
Molecular consequence: synonymous variant.
Genome position (GRCh38, 1-based): chr7:101,001,603, G>A. VCF-style: chr7-101001603-G-A. GRCh37 (hg19) VCF-style: chr7-100644884-G-A.
Identifiers: ClinVar variation 4534700 (VCV004534700.6).